The following is an entry in ClinVar:

ClinVar aggregate classification (germline): Uncertain significance (1 of 4 stars; one submission).

Conditions:
Hyperammonemic encephalopathy due to carbonic anhydrase VA deficiency. Also called: Carbonic anhydrase VA deficiency, hyperammonemia due to; Carbonic Anhydrase VA Deficiency. Identifiers: Orphanet 401948, MedGen C4706871, MONDO:0014332, OMIM 615751.

Submission:

Labcorp Genetics (formerly Invitae), Labcorp
Classification: Uncertain significance for Hyperammonemic encephalopathy due to carbonic anhydrase VA deficiency. Last evaluated: 2022-08-08. Review status: criteria provided, single submitter. Criteria: Invitae Variant Classification Sherloc (09022015). Collection method: clinical testing. Allele origin: germline.
Comment: This variant has not been reported in the literature in individuals affected with CA5A-related conditions. This variant is not present in population databases (gnomAD no frequency). This sequence change replaces proline, which is neutral and non-polar, with threonine, which is neutral and polar, at codon 201 of the CA5A protein (p.Pro201Thr). Algorithms developed to predict the effect of missense changes on protein structure and function are either unavailable or do not agree on the potential impact of this missense change (SIFT: "Deleterious"; PolyPhen-2: "Probably Damaging"; Align-GVGD: "Class C0"). In summary, the available evidence is currently insufficient to determine the role of this variant in disease. Therefore, it has been classified as a Variant of Uncertain Significance.

NM_001739.2(CA5A):c.601C>A (p.Pro201Thr)

Gene: CA5A (carbonic anhydrase 5A; minus strand). Cytogenetic location: 16q24.2.
Variant type: single nucleotide variant.
Coding change: c.601C>A on transcript NM_001739.2 (MANE Select); coding-DNA position 601, C replaced by A.
Protein change: p.Pro201Thr; replaces proline 201 with threonine.
Molecular consequence: missense variant. On other transcripts: non-coding transcript variant (2).
Genome position (GRCh38, 1-based): chr16:87,901,929, G>T on the plus strand (C>A on the coding strand, the complement: CA5A is on the minus strand). VCF-style: chr16-87901929-G-T. GRCh37 (hg19) VCF-style: chr16-87935535-G-T.
Other names: c.601C>A, p.Pro201Thr (NM_001367225.1); short protein forms P201T.
Identifiers: ClinVar variation 2088957 (VCV002088957.4), dbSNP rs2508483154, ClinGen allele CA397040887.